The following is an entry in ClinVar:

NM_016038.4(SBDS):c.160C>T (p.His54Tyr)

Gene: SBDS (SBDS ribosome maturation factor; minus strand). Cytogenetic location: 7q11.21.
Variant type: single nucleotide variant.
Coding change: c.160C>T on transcript NM_016038.4 (MANE Select); coding-DNA position 160, C replaced by T.
Protein change: p.His54Tyr; replaces histidine 54 with tyrosine.
Molecular consequence: missense variant.
Genome position (GRCh38, 1-based): chr7:66,994,310, G>A on the plus strand (C>T on the coding strand, the complement: SBDS is on the minus strand). VCF-style: chr7-66994310-G-A. GRCh37 (hg19) VCF-style: chr7-66459297-G-A.
Other names: short protein forms H54Y.
Identifiers: ClinVar variation 2291304 (VCV002291304.3), dbSNP rs140297326, ClinGen allele CA4279231.

ClinVar aggregate classification (germline): Uncertain significance (1 of 4 stars; one submission).

Conditions:
Inborn genetic diseases. Identifiers: MedGen C0950123, MeSH D030342.

Allele frequency attached by ClinVar (database versions not stated): ExAC 0.00001; gnomAD 0.00001; gnomAD exomes 0.00001; TOPMed 0.00003; ESP Exome Variant Server 0.00008.
gnomAD v4.1: 8 of 1,613,782 alleles (0.0005%); highest among the groups gnomAD compares: Non-Finnish European, 0.00059%; no homozygotes.

Submission:

Ambry Genetics
Classification: Uncertain significance for Inborn genetic diseases. Last evaluated: 2025-02-08. Review status: criteria provided, single submitter. Criteria: Ambry Variant Classification Scheme 2023. Collection method: clinical testing. Allele origin: germline.
Comment: The p.H54Y variant (also known as c.160C>T), located in coding exon 2 of the SBDS gene, results from a C to T substitution at nucleotide position 160. The histidine at codon 54 is replaced by tyrosine, an amino acid with similar properties. This amino acid position is conserved. In addition, the in silico prediction for this alteration is inconclusive. Based on the available evidence, the clinical significance of this variant remains unclear.